The following is an entry in ClinVar:

ClinVar aggregate classification (germline): Uncertain significance. Review status: criteria provided, multiple submitters, no conflicts (2 of 4 stars). 3 submissions from 3 submitters: Uncertain significance (2). 1 of the submissions does not count toward it. Last evaluated 2024-03-01.

Conditions:
Familial hypobetalipoproteinemia 1. Also called: Hypobetalipoproteinemia, normotriglyceridemic; Acanthocytosis with hypobetalipoproteinemia; APOB-Related Familial Hypobetalipoproteinemia. Identifiers: MedGen C4551990, MONDO:0014252, OMIM 615558.
Hypercholesterolemia, autosomal dominant, type B (FHCL2). Also called: Familial Hypercholesterolemia Type B; Familial hypercholesterolemia 2; Hyperlipoproteinemia Type IIb; HYPERCHOLESTEROLEMIA, FAMILIAL, DUE TO LIGAND-DEFECTIVE APOLIPOPROTEIN B; APOLIPOPROTEIN B-100, FAMILIAL DEFECTIVE; APOLIPOPROTEIN B-100, FAMILIAL LIGAND-DEFECTIVE. Identifiers: MedGen C1704417, MONDO:0007751, OMIM 144010.

gnomAD v4.1: 3 of 1,614,178 alleles (0.00019%); highest among the groups gnomAD compares: Non-Finnish European, 0.00025%; no homozygotes.

Submissions (3):

Blueprint Genetics
Classification: Uncertain significance. Last evaluated: 2024-03-01. Review status: criteria provided, single submitter. Criteria: ACMG Guidelines, 2015. Collection method: clinical testing. Allele origin: germline.

Fulgent Genetics
Classification: Uncertain significance for Hypercholesterolemia, autosomal dominant, type B; Familial hypobetalipoproteinemia 1. Last evaluated: 2021-11-22. Review status: criteria provided, single submitter. Criteria: ACMG Guidelines, 2015. Collection method: clinical testing. Allele origin: unknown.

Department of Pathology and Laboratory Medicine, Sinai Health System
Classification: Uncertain significance. Review status: no assertion criteria provided. Collection method: clinical testing. Allele origin: unknown. Affected: yes. Study: The Canadian Open Genetics Repository (COGR). Not counted in ClinVar's aggregate classification.
Comment: The APOB p.Ser595Phe variant was not identified in the literature nor was it identified in ClinVar, Cosmic, or LOVD 3.0. The variant was identified in the dbSNP database (ID: rs1047759477.) The variant was not identified in the following control databases: the 1000 Genomes Project, the NHLBI GO Exome Sequencing Project, the Exome Aggregation Consortium (August 8th 2016), or the Genome Aggregation Database (Feb 27, 2017). The p.Ser595 residue is conserved in mammals and computational analyses (PolyPhen-2, SIFT, AlignGVGD, BLOSUM, MutationTaster) provide inconsistent predictions regarding the impact to the protein; this information is not very predictive of pathogenicity. In summary, based on the above information this variant meets our laboratory's criteria to be classified as a variant of uncertain significance.

NM_000384.3(APOB):c.1784C>T (p.Ser595Phe)

Gene: APOB (apolipoprotein B; minus strand). Cytogenetic location: 2p24.1.
Variant type: single nucleotide variant.
Coding change: c.1784C>T on transcript NM_000384.3 (MANE Select); coding-DNA position 1784, C replaced by T.
Protein change: p.Ser595Phe; replaces serine 595 with phenylalanine.
Molecular consequence: missense variant.
Genome position (GRCh38, 1-based): chr2:21,028,372, G>A on the plus strand (C>T on the coding strand, the complement: APOB is on the minus strand). VCF-style: chr2-21028372-G-A. GRCh37 (hg19) VCF-style: chr2-21251244-G-A.
Other names: short protein forms S595F.
Identifiers: ClinVar variation 923376 (VCV000923376.6), dbSNP rs1047759477, ClinGen allele CA43524224.
Genomic context (GRCh38, chr2:21,028,372, plus strand): 5'-ATAGCTCTTACTTACTCTTGGATATCCAATTCTTCTGAGTTCAAGATATTGGCAATATGG[G>A]AAGCCACAAAGTTCTTCACTTGCTCATTCTGTTCCCATGGTAGAATTTGGACAATTTTGT-3'
Protein context (NP_000375.3, residues 585-605): QNEQVKNFVA[Ser595Phe]HIANILNSEE